The following is an entry in ClinVar:

NM_000038.6(APC):c.314G>T (p.Ser105Ile)

Gene: APC (APC regulator of Wnt signaling pathway; plus strand). Cytogenetic location: 5q22.2.
Variant type: single nucleotide variant.
Coding change: c.314G>T on transcript NM_000038.6 (MANE Select); coding-DNA position 314, G replaced by T.
Protein change: p.Ser105Ile; replaces serine 105 with isoleucine.
Molecular consequence: missense variant. On other transcripts: 5 prime UTR variant (1).
Genome position (GRCh38, 1-based): chr5:112,767,282, G>T. VCF-style: chr5-112767282-G-T. GRCh37 (hg19) VCF-style: chr5-112102979-G-T.
Other names: c.137G>T, p.Ser46Ile (NM_001354901.2, NM_001354905.2, NM_001407453.1 and 1 more transcripts); c.344G>T, p.Ser115Ile (NM_001354902.2, NM_001407446.1, NM_001127511.3 and 1 more transcripts); c.314G>T, p.Ser105Ile (NM_001354903.2, NM_001407447.1, NM_001407448.1 and 16 more transcripts); c.239G>T, p.Ser80Ile (NM_001354904.2, NM_001407451.1, NM_001354898.2); c.-722G>T (NM_001354906.2, NM_001407470.1, NM_001407471.1 and 1 more transcripts); short protein forms S46I, S105I, S80I, S115I.
Identifiers: ClinVar variation 1728180 (VCV001728180.2), dbSNP rs1580328726, ClinGen allele CA16022010.

ClinVar aggregate classification (germline): Uncertain significance (1 of 4 stars; one submission).

Conditions:
Hereditary cancer-predisposing syndrome. Also called: Tumor predisposition; Neoplastic Syndromes, Hereditary; Hereditary Cancer Syndrome; Hereditary neoplastic syndrome. Identifiers: Orphanet 140162, MedGen C0027672, MeSH D009386, MONDO:0015356.

Submission:

Ambry Genetics
Classification: Uncertain significance for Hereditary cancer-predisposing syndrome. Last evaluated: 2022-09-27. Review status: criteria provided, single submitter. Criteria: Ambry Variant Classification Scheme 2023. Collection method: clinical testing. Allele origin: germline.
Comment: The p.S105I variant (also known as c.314G>T), located in coding exon 3 of the APC gene, results from a G to T substitution at nucleotide position 314. The serine at codon 105 is replaced by isoleucine, an amino acid with dissimilar properties. This amino acid position is conserved. In addition, in silico predictors for this gene do not accurately predict pathogenicity. Since supporting evidence is limited at this time, the clinical significance of this alteration remains unclear.